The following is an entry in ClinVar:

NM_006904.7(PRKDC):c.6116A>G (p.Glu2039Gly)

Gene: PRKDC (protein kinase, DNA-activated, catalytic subunit; minus strand). Cytogenetic location: 8q11.21.
Variant type: single nucleotide variant.
Coding change: c.6116A>G on transcript NM_006904.7 (MANE Select); coding-DNA position 6116, A replaced by G.
Protein change: p.Glu2039Gly; replaces glutamic acid 2039 with glycine.
Molecular consequence: missense variant.
Genome position (GRCh38, 1-based): chr8:47,859,702, T>C on the plus strand (A>G on the coding strand, the complement: PRKDC is on the minus strand). VCF-style: chr8-47859702-T-C. GRCh37 (hg19) VCF-style: chr8-48772263-T-C.
Other names: c.6116A>G, p.Glu2039Gly (NM_001081640.2); short protein forms E2039G.
Identifiers: ClinVar variation 2560680 (VCV002560680.2), dbSNP rs2551870242, ClinGen allele CA371161315.
Genomic context (GRCh38, chr8:47,859,702, plus strand): 5'-GGGTCTTGGGAGCTGTATGAATAGCTCTGAACTCCGGTTGAGAAATCAAATTGACTCATT[T>C]CCTCACTCAGGGTACTGTCTGCCAAATATGACAGGGAAGACATATAGGAAGGACCATCTG-3'
Protein context (NP_008835.5, residues 2029-2049): SYLADSTLSE[Glu2039Gly]MSQFDFSTGV

ClinVar aggregate classification (germline): Uncertain significance (1 of 4 stars; one submission).

Submission:

Ambry Genetics
Classification: Uncertain significance. Last evaluated: 2023-06-05. Review status: criteria provided, single submitter. Criteria: Ambry Variant Classification Scheme 2023. Collection method: clinical testing. Allele origin: germline.
Comment: The p.E2039G variant (also known as c.6116A>G), located in coding exon 46 of the PRKDC gene, results from an A to G substitution at nucleotide position 6116. The glutamic acid at codon 2039 is replaced by glycine, an amino acid with similar properties. This amino acid position is conserved. Since supporting evidence is limited at this time, the clinical significance of this alteration remains unclear.